The following is an entry in ClinVar:

NM_152269.5(MTRFR):c.437del (p.Lys146fs)

Gene: MTRFR (mitochondrial translation release factor in rescue; plus strand). Cytogenetic location: 12q24.31.
Variant type: Deletion.
Coding change: c.437del on transcript NM_152269.5 (MANE Select); coding-DNA position 437, one base deleted (A; older notation c.437delA).
Protein change: p.Lys146fs; shifts the reading frame from lysine 146.
Molecular consequence: frameshift variant.
Genome position (GRCh38, 1-based): chr12:123,256,967, A deleted; the last of 3 consecutive A bases (chr12:123,256,965-123,256,967); deleting any one gives the same sequence. VCF-style (leftmost placement, unchanged base first): chr12-123256964-CA-C. GRCh37 (hg19) VCF-style: chr12-123741511-CA-C.
Other names: c.437del, p.Lys146fs (NM_001143905.2, NM_001194995.1); short protein forms K146fs.
Identifiers: ClinVar variation 3755944 (VCV003755944.2).

ClinVar aggregate classification (germline): Uncertain significance (1 of 4 stars; one submission).

Conditions:
Combined oxidative phosphorylation defect type 7. Identifiers: Orphanet 254930, MedGen C3150801, MONDO:0013306, OMIM 613559.
Spastic paraplegia. Identifiers: MedGen C0037772, HP:0001258.

Submission:

Labcorp Genetics (formerly Invitae), Labcorp
Classification: Uncertain significance for Combined oxidative phosphorylation defect type 7; Spastic paraplegia. Last evaluated: 2024-04-04. Review status: criteria provided, single submitter. Criteria: Invitae Variant Classification Sherloc (09022015). Collection method: clinical testing. Allele origin: germline.
Comment: This sequence change results in a frameshift in the C12orf65 gene (p.Lys146Argfs*30). While this is not anticipated to result in nonsense mediated decay, it is expected to disrupt the last 21 amino acid(s) of the C12orf65 protein and extend the protein by 8 additional amino acid residues. This variant is not present in population databases (gnomAD no frequency). This variant has not been reported in the literature in individuals affected with C12orf65-related conditions. In summary, the available evidence is currently insufficient to determine the role of this variant in disease. Therefore, it has been classified as a Variant of Uncertain Significance.